The following is an entry in ClinVar:

NM_000337.6(SGCD):c.*1527C>T

Gene: SGCD (sarcoglycan delta; plus strand). Cytogenetic location: 5q33.3.
Variant type: single nucleotide variant.
Coding change: c.*1527C>T on transcript NM_000337.6 (MANE Select); 1527 bases downstream of the stop codon, C replaced by T.
Molecular consequence: 3 prime UTR variant.
Genome position (GRCh38, 1-based): chr5:156,760,917, C>T. VCF-style: chr5-156760917-C-T. GRCh37 (hg19) VCF-style: chr5-156187928-C-T.
Other names: c.*1527C>T (NM_001128209.2).
Identifiers: ClinVar variation 352353 (VCV000352353.6), dbSNP rs284445, ClinGen allele CA10623674.
Genomic context (GRCh38, chr5:156,760,917, plus strand): 5'-ACTTTGGGTGATTGGAGGGGAATGACTTAGTTATGACTGGACATCTTAAAAGCTGATAGA[C>T]AAGCCAAATGGCTGGCAGATGATGTGGATTTCAAAGAGCCCAGAATGAACTCATCACTGG-3'

ClinVar aggregate classification (germline): Benign (1 of 4 stars; one submission).

Conditions:
Qualitative or quantitative defects of delta-sarcoglycan. Identifiers: Orphanet 207070, MedGen C5680806, MONDO:0016144.

Allele frequency attached by ClinVar (database versions not stated): 1000 Genomes Project 30x 0.20550; 1000 Genomes Project 0.20727; TOPMed 0.25022; gnomAD 0.26081 and 0.26285; gnomAD exomes 0.31845.
gnomAD v4.1: 40,121 of 152,480 alleles (26%); highest among the groups gnomAD compares: Non-Finnish European, 37%; 6,603 homozygotes.

Submission:

Illumina Laboratory Services, Illumina
Classification: Benign for Qualitative or quantitative defects of delta-sarcoglycan. Last evaluated: 2018-01-12. Review status: criteria provided, single submitter. Criteria: ICSL Variant Classification Criteria 13 December 2019. Collection method: clinical testing. Allele origin: germline.
Comment: This variant was observed in the ICSL laboratory as part of a predisposition screen in an ostensibly healthy population. It had not been previously curated by ICSL or reported in the Human Gene Mutation Database (HGMD: prior to June 1st, 2018), and was therefore a candidate for classification through an automated scoring system. Utilizing variant allele frequency, disease prevalence and penetrance estimates, and inheritance mode, an automated score was calculated to assess if this variant is too frequent to cause the disease. Based on the score and internal cut-off values, a variant classified as benign is not then subjected to further curation. The score for this variant resulted in a classification of benign for this disease.